The following is an entry in ClinVar:

ClinVar aggregate classification (germline): Likely benign (0 of 4 stars; one submission).

Conditions:
DNAJC13-related disorder. Also called: DNAJC13-related condition.

gnomAD v4.1: 649 of 1,603,364 alleles (0.04%); highest among the groups gnomAD compares: Non-Finnish European, 0.044%; no homozygotes.

Submission:

PreventionGenetics, part of Exact Sciences
Classification: Likely benign for DNAJC13-related condition. Last evaluated: 2024-08-26. Review status: no assertion criteria provided. Collection method: clinical testing. Allele origin: germline.
Comment: This variant is classified as likely benign based on ACMG/AMP sequence variant interpretation guidelines (Richards et al. 2015 PMID: 25741868, with internal and published modifications).

NM_015268.4(DNAJC13):c.2021A>C (p.Asp674Ala)

Gene: DNAJC13 (DnaJ heat shock protein family (Hsp40) member C13; plus strand). Cytogenetic location: 3q22.1.
Variant type: single nucleotide variant.
Coding change: c.2021A>C on transcript NM_015268.4 (MANE Select); coding-DNA position 2021, A replaced by C.
Protein change: p.Asp674Ala; replaces aspartic acid 674 with alanine.
Molecular consequence: missense variant.
Genome position (GRCh38, 1-based): chr3:132,466,351, A>C. VCF-style: chr3-132466351-A-C. GRCh37 (hg19) VCF-style: chr3-132185195-A-C.
Other names: c.2021A>C, p.Asp674Ala (NM_001329126.2); short protein forms D674A.
Identifiers: ClinVar variation 3348882 (VCV003348882.1).